The following is an entry in ClinVar:

ClinVar aggregate classification (germline): Conflicting classifications of pathogenicity. Review status: criteria provided, conflicting classifications (1 of 4 stars). 3 submissions from 3 submitters: Uncertain significance (2); Likely benign (1). Last evaluated 2026-07-30.

Conditions:
Congenital contractural arachnodactyly (CCA). Also called: BEALS SYNDROME; Arthrogryposis, distal, type 9; Beals-Hecht syndrome. Identifiers: Orphanet 115, MedGen C0220668, MONDO:0007363, OMIM 121050.
Familial thoracic aortic aneurysm and aortic dissection (TAAD). Also called: Thoracic aortic aneurysms and dissections. Identifiers: Orphanet 91387, MedGen C4707243, MONDO:0019625.

Allele frequency attached by ClinVar (database versions not stated): gnomAD 0.00001; TOPMed 0.00001.
gnomAD v4.1: 5 of 1,613,430 alleles (0.00031%); highest among the groups gnomAD compares: Non-Finnish European, 0.00042%; no homozygotes.

Submissions (3):

Ambry Genetics
Classification: Uncertain significance for Familial thoracic aortic aneurysm and aortic dissection. Last evaluated: 2026-07-30. Review status: criteria provided, single submitter. Criteria: Ambry Variant Classification Scheme 2023. Collection method: clinical testing. Allele origin: germline.
Comment: The p.T1085P variant (also known as c.3253A>C), located in coding exon 25 of the FBN2 gene, results from an A to C substitution at nucleotide position 3253. The threonine at codon 1085 is replaced by proline, an amino acid with highly similar properties. This amino acid position is well conserved in available vertebrate species. In addition, the in silico prediction for this alteration is inconclusive. Based on the available evidence, the clinical significance of this variant remains unclear.

Labcorp Genetics (formerly Invitae), Labcorp
Classification: Likely benign for Congenital contractural arachnodactyly. Last evaluated: 2025-01-31. Review status: criteria provided, single submitter. Criteria: Invitae Variant Classification Sherloc (09022015). Collection method: clinical testing. Allele origin: germline.

GeneDx
Classification: Uncertain significance. Last evaluated: 2023-06-12. Review status: criteria provided, single submitter. Criteria: GeneDx Variant Classification Process June 2021. Collection method: clinical testing. Allele origin: germline. Affected: yes.
Comment: Has not been previously published as pathogenic or benign to our knowledge; Not observed at significant frequency in large population cohorts (gnomAD); In silico analysis supports that this missense variant has a deleterious effect on protein structure/function; Although located in a calcium-binding EGF-like domain of the FBN2 gene, it does not substitute or introduce a cysteine residue (Callewaert et al., 2009; Frederic et al., 2009); This variant is associated with the following publications: (PMID: 18767143, 19006240)

NM_001999.4(FBN2):c.3253A>C (p.Thr1085Pro)

Gene: FBN2 (fibrillin 2; minus strand). Cytogenetic location: 5q23.3.
Variant type: single nucleotide variant.
Coding change: c.3253A>C on transcript NM_001999.4 (MANE Select); coding-DNA position 3253, A replaced by C.
Protein change: p.Thr1085Pro; replaces threonine 1085 with proline.
Molecular consequence: missense variant.
Genome position (GRCh38, 1-based): chr5:128,344,475, T>G on the plus strand (A>C on the coding strand, the complement: FBN2 is on the minus strand). VCF-style: chr5-128344475-T-G. GRCh37 (hg19) VCF-style: chr5-127680167-T-G.
Other names: short protein forms T1085P.
Identifiers: ClinVar variation 213303 (VCV000213303.11), dbSNP rs863223562, ClinGen allele CA324185.